The following is an entry in ClinVar:

NM_144670.6(A2ML1):c.3497T>C (p.Ile1166Thr)

Gene: A2ML1 (alpha-2-macroglobulin like 1; plus strand). Cytogenetic location: 12p13.31.
Variant type: single nucleotide variant.
Coding change: c.3497T>C on transcript NM_144670.6 (MANE Select); coding-DNA position 3497, T replaced by C.
Protein change: p.Ile1166Thr; replaces isoleucine 1166 with threonine.
Molecular consequence: missense variant.
Genome position (GRCh38, 1-based): chr12:8,861,292, T>C. VCF-style: chr12-8861292-T-C. GRCh37 (hg19) VCF-style: chr12-9013888-T-C.
Other names: c.2024T>C, p.Ile675Thr (NM_001282424.3); short protein forms I1166T, I675T.
Identifiers: ClinVar variation 1389399 (VCV001389399.9), dbSNP rs2136932050, ClinGen allele CA383841077.

ClinVar aggregate classification (germline): Uncertain significance (1 of 4 stars; one submission).

Allele frequency attached by ClinVar (database versions not stated): gnomAD exomes below 0.00001.
gnomAD v4.1: 3 of 1,614,046 alleles (0.00019%); highest among the groups gnomAD compares: South Asian, 0.0033%; no homozygotes.

Submission:

Labcorp Genetics (formerly Invitae), Labcorp
Classification: Uncertain significance. Last evaluated: 2023-12-06. Review status: criteria provided, single submitter. Criteria: Invitae Variant Classification Sherloc (09022015). Collection method: clinical testing. Allele origin: germline.
Comment: This sequence change replaces isoleucine, which is neutral and non-polar, with threonine, which is neutral and polar, at codon 1166 of the A2ML1 protein (p.Ile1166Thr). This variant is not present in population databases (gnomAD no frequency). This variant has not been reported in the literature in individuals affected with A2ML1-related conditions. ClinVar contains an entry for this variant (Variation ID: 1389399). Algorithms developed to predict the effect of missense changes on protein structure and function output the following: SIFT: "Not Available"; PolyPhen-2: "Benign"; Align-GVGD: "Not Available". The threonine amino acid residue is found in multiple mammalian species, which suggests that this missense change does not adversely affect protein function. In summary, the available evidence is currently insufficient to determine the role of this variant in disease. Therefore, it has been classified as a Variant of Uncertain Significance.